The following is an entry in ClinVar:

NM_017612.5(ZCCHC8):c.1635G>A (p.Val545=)

Gene: ZCCHC8 (zinc finger CCHC-type containing 8; minus strand). Cytogenetic location: 12q24.31.
Variant type: single nucleotide variant.
Coding change: c.1635G>A on transcript NM_017612.5 (MANE Select); coding-DNA position 1635, G replaced by A.
Protein change: p.Val545=; no amino-acid change (valine 545 retained).
Molecular consequence: synonymous variant.
Genome position (GRCh38, 1-based): chr12:122,473,986, C>T on the plus strand (G>A on the coding strand, the complement: ZCCHC8 is on the minus strand). VCF-style: chr12-122473986-C-T. GRCh37 (hg19) VCF-style: chr12-122958533-C-T.
Other names: c.1404G>A, p.Val468= (NM_001350935.2); c.1338G>A, p.Val446= (NM_001350936.2); c.921G>A, p.Val307= (NM_001350937.2, NM_001350938.2); c.1635G>A (NM_017612.4).
Identifiers: ClinVar variation 1391845 (VCV001391845.8), dbSNP rs777576564, ClinGen allele CA6846120.
Genomic context (GRCh38, chr12:122,473,986, plus strand): 5'-GAGGTCTAGCTCATTTGGACAAGGTGATGAGGCAACGGAATTGCCAGTTAAAGGTGTGTC[C>T]ACAGGAACGTCGGAGTCGCTGTTTACGCTCTCGGCCTGCTCAAGAGCTGCCCAGATCCGC-3'
Protein context (NP_060082.2, residues 535-555): ESVNSDSDVP[Val545=]DTPLTGNSVA

ClinVar aggregate classification (germline): Likely benign. Review status: criteria provided, multiple submitters, no conflicts (2 of 4 stars). 3 submissions from 3 submitters: Likely benign (2). 1 of the submissions does not count toward it. Last evaluated 2024-09-20.

Conditions:
ZCCHC8-related disorder. Also called: ZCCHC8-related condition.

Allele frequency attached by ClinVar (database versions not stated): ExAC 0.00001; gnomAD exomes 0.00001 and 0.00002; TOPMed 0.00002; gnomAD 0.00003.
gnomAD v4.1: 21 of 1,588,292 alleles (0.0013%); highest among the groups gnomAD compares: South Asian, 0.0092%; 1 homozygote.

Submissions (3):

Blueprint Genetics
Classification: Likely benign. Last evaluated: 2024-09-20. Review status: criteria provided, single submitter. Criteria: ACMG Guidelines, 2015. Collection method: clinical testing. Allele origin: germline.

Labcorp Genetics (formerly Invitae), Labcorp
Classification: Likely benign. Last evaluated: 2024-06-23. Review status: criteria provided, single submitter. Criteria: Invitae Variant Classification Sherloc (09022015). Collection method: clinical testing. Allele origin: germline.

PreventionGenetics, part of Exact Sciences
Classification: Likely benign for ZCCHC8-related condition. Last evaluated: 2024-09-25. Review status: no assertion criteria provided. Collection method: clinical testing. Allele origin: germline. Not counted in ClinVar's aggregate classification.
Comment: This variant is classified as likely benign based on ACMG/AMP sequence variant interpretation guidelines (Richards et al. 2015 PMID: 25741868, with internal and published modifications).